The following is an entry in ClinVar:

ClinVar aggregate classification (germline): Uncertain significance (0 of 4 stars; one submission).

Conditions:
Prostate cancer. Also called: Malignant tumor of prostate. Identifiers: Orphanet 1331, MedGen C0376358, MONDO:0008315, HP:0012125.

Submission:

Science for Life laboratory,  Karolinska Institutet
Classification: Uncertain significance for Malignant tumor of prostate. Review status: no assertion criteria provided. Collection method: not provided. Allele origin: somatic.
Comment: TumorID:SWE-90B
ClinVar note: Converted during submission from Unknown to Uncertain significance.

NM_001004699.3(OR2Z1):c.878G>T (p.Arg293Met)

Gene: OR2Z1 (olfactory receptor family 2 subfamily Z member 1; plus strand). Cytogenetic location: 19p13.2.
Variant type: single nucleotide variant.
Coding change: c.878G>T on transcript NM_001004699.3 (MANE Select); coding-DNA position 878, G replaced by T.
Protein change: p.Arg293Met; replaces arginine 293 with methionine.
Molecular consequence: missense variant.
Genome position (GRCh38, 1-based): chr19:8,731,906, G>T. VCF-style: chr19-8731906-G-T. GRCh37 (hg19) VCF-style: chr19-8842268-G-T.
Other names: short protein forms R293M.
Identifiers: ClinVar variation 161481 (VCV000161481.2), dbSNP rs193921073, ClinGen allele CA174114.